The following is an entry in ClinVar:

ClinVar aggregate classification (germline): Likely pathogenic (1 of 4 stars; one submission).

Conditions:
Intellectual developmental disorder with gastrointestinal difficulties and high pain threshold (JDVS). Also called: JANSEN-DE VRIES SYNDROME. Identifiers: Orphanet 653767, MedGen C4479517, MONDO:0044318, OMIM 617450.

Submission:

Greenwood Genetic Center Diagnostic Laboratories, Greenwood Genetic Center
Classification: Likely pathogenic for Intellectual developmental disorder with gastrointestinal difficulties and high pain threshold. Last evaluated: 2022-03-14. Review status: criteria provided, single submitter. Criteria: ACMG Guidelines, 2015. Collection method: clinical testing. Allele origin: germline. Affected: yes.
Comment: PVS1, PM2

NM_003620.4(PPM1D):c.1412del (p.Pro471fs)

Gene: PPM1D (protein phosphatase, Mg2+/Mn2+ dependent 1D; plus strand). Cytogenetic location: 17q23.2.
Variant type: Deletion.
Coding change: c.1412del on transcript NM_003620.4 (MANE Select); coding-DNA position 1412, one base deleted (C; older notation c.1412delC).
Protein change: p.Pro471fs; shifts the reading frame from proline 471.
Molecular consequence: frameshift variant.
Genome position (GRCh38, 1-based): chr17:60,663,146, C deleted; the last of 2 consecutive C bases (chr17:60,663,145-60,663,146); deleting either gives the same sequence. VCF-style (leftmost placement, unchanged base first): chr17-60663144-TC-T. GRCh37 (hg19) VCF-style: chr17-58740505-TC-T.
Other names: short protein forms P471fs.
Identifiers: ClinVar variation 1676485 (VCV001676485.3), dbSNP rs780195897, ClinGen allele CA8687780.